The following is an entry in ClinVar:

NM_005732.4(RAD50):c.3644T>A (p.Leu1215Gln)

Genes: RAD50 (RAD50 double strand break repair protein; plus strand), TH2-LCR (Th2 cytokine locus control region; plus strand), TH2LCRR (T helper type 2 locus control region associated RNA; minus strand). Cytogenetic location: 5q31.1.
Variant type: single nucleotide variant.
Coding change: c.3644T>A on transcript NM_005732.4 (MANE Select); coding-DNA position 3644, T replaced by A.
Protein change: p.Leu1215Gln; replaces leucine 1215 with glutamine.
Molecular consequence: missense variant.
Genome position (GRCh38, 1-based): chr5:132,640,697, T>A. VCF-style: chr5-132640697-T-A. GRCh37 (hg19) VCF-style: chr5-131976389-T-A.
Other names: short protein forms L1215Q.
Identifiers: ClinVar variation 4149735 (VCV004149735.1).

ClinVar aggregate classification (germline): Uncertain significance (1 of 4 stars; one submission).

Conditions:
Hereditary cancer-predisposing syndrome. Also called: Hereditary neoplastic syndrome; Neoplastic Syndromes, Hereditary; Tumor predisposition; Hereditary Cancer Syndrome. Identifiers: Orphanet 140162, MedGen C0027672, MeSH D009386, MONDO:0015356.

Submission:

Ambry Genetics
Classification: Uncertain significance for Hereditary cancer-predisposing syndrome. Last evaluated: 2025-08-23. Review status: criteria provided, single submitter. Criteria: Ambry Variant Classification Scheme 2023. Collection method: clinical testing. Allele origin: germline.
Comment: The p.L1215Q variant (also known as c.3644T>A), located in coding exon 24 of the RAD50 gene, results from a T to A substitution at nucleotide position 3644. The leucine at codon 1215 is replaced by glutamine, an amino acid with dissimilar properties. This amino acid position is conserved. In addition, this alteration is predicted to be deleterious by in silico analysis. Based on the available evidence, the clinical significance of this variant remains unclear.